The following is an entry in ClinVar:

ClinVar aggregate classification (germline): Conflicting classifications of pathogenicity. Review status: criteria provided, conflicting classifications (1 of 4 stars). 3 submissions from 3 submitters: Uncertain significance (1); Likely benign (2). Last evaluated 2024-11-03.

Conditions:
Hereditary cancer-predisposing syndrome. Also called: Neoplastic Syndromes, Hereditary; Hereditary Cancer Syndrome; Tumor predisposition; Hereditary neoplastic syndrome. Identifiers: Orphanet 140162, MedGen C0027672, MeSH D009386, MONDO:0015356.
Tuberous sclerosis 2 (TSC2). Identifiers: Orphanet 805, MedGen C1860707, MONDO:0013199, OMIM 613254.

gnomAD v4.1: 1 of 1,613,194 alleles (0.000062%); highest among the groups gnomAD compares: South Asian, 0.0011%; no homozygotes.

Submissions (3):

Ambry Genetics
Classification: Likely benign for Hereditary cancer-predisposing syndrome. Last evaluated: 2024-11-03. Review status: criteria provided, single submitter. Criteria: Ambry Variant Classification Scheme 2023. Collection method: clinical testing. Allele origin: germline.

Labcorp Genetics (formerly Invitae), Labcorp
Classification: Likely benign for Tuberous sclerosis 2. Last evaluated: 2022-06-16. Review status: criteria provided, single submitter. Criteria: Invitae Variant Classification Sherloc (09022015). Collection method: clinical testing. Allele origin: germline.

GeneDx
Classification: Uncertain significance. Last evaluated: 2022-01-31. Review status: criteria provided, single submitter. Criteria: GeneDx Variant Classification Process June 2021. Collection method: clinical testing. Allele origin: germline. Affected: yes.
Comment: Not observed at significant frequency in large population cohorts (gnomAD); In silico analysis supports that this variant does not alter splicing; Has not been previously published as pathogenic or benign to our knowledge

NM_000548.5(TSC2):c.2460C>T (p.Ile820=)

Gene: TSC2 (TSC complex subunit 2; plus strand). Cytogenetic location: 16p13.3.
Variant type: single nucleotide variant.
Coding change: c.2460C>T on transcript NM_000548.5 (MANE Select); coding-DNA position 2460, C replaced by T.
Protein change: p.Ile820=; no amino-acid change (isoleucine 820 retained).
Molecular consequence: synonymous variant. On other transcripts: non-coding transcript variant (5).
Genome position (GRCh38, 1-based): chr16:2,074,304, C>T. VCF-style: chr16-2074304-C-T. GRCh37 (hg19) VCF-style: chr16-2124305-C-T.
Other names: c.2460C>T, p.Ile820= (NM_001077183.3, NM_001114382.3, NM_001363528.2 and 6 more transcripts); c.2349C>T, p.Ile783= (NM_001318827.2, NM_001406670.1, NM_001406678.1); c.2313C>T, p.Ile771= (NM_001318829.2, NM_001406675.1, NM_001406676.1 and 1 more transcripts); c.1860C>T, p.Ile620= (NM_001318831.2, NM_001406680.1, NM_001406682.1 and 6 more transcripts); c.2493C>T, p.Ile831= (NM_001318832.2); c.2550C>T, p.Ile850= (NM_001406667.1, NM_001406668.1); c.2448C>T, p.Ile816= (NM_001406671.1, NM_001406673.1); c.2403C>T, p.Ile801= (NM_001406677.1); and 3 more.
Identifiers: ClinVar variation 1699790 (VCV001699790.8), dbSNP rs2151352359, ClinGen allele CA492953112.